The following is an entry in ClinVar:

NM_000257.4(MYH7):c.2628G>T (p.Lys876Asn)

Genes: MYH7 (myosin heavy chain 7; minus strand), LOC126861898 (BRD4-independent group 4 enhancer GRCh37_chr14:23893609-23894808; plus strand). Cytogenetic location: 14q11.2.
Variant type: single nucleotide variant.
Coding change: c.2628G>T on transcript NM_000257.4 (MANE Select); coding-DNA position 2628, G replaced by T.
Protein change: p.Lys876Asn; replaces lysine 876 with asparagine.
Molecular consequence: missense variant.
Genome position (GRCh38, 1-based): chr14:23,424,820, C>A on the plus strand (G>T on the coding strand, the complement: MYH7 is on the minus strand). VCF-style: chr14-23424820-C-A. GRCh37 (hg19) VCF-style: chr14-23894029-C-A.
Other names: short protein forms K876N.
Identifiers: ClinVar variation 1409624 (VCV001409624.6), dbSNP rs749627954, ClinGen allele CA389047954.

ClinVar aggregate classification (germline): Uncertain significance (1 of 4 stars; one submission).

Conditions:
Hypertrophic cardiomyopathy. Also called: HYPERTROPHIC MYOCARDIOPATHY. Identifiers: Orphanet 217569, MedGen C0007194, MeSH D002312, MONDO:0005045, HP:0001639.

gnomAD v4.1: 1 of 1,614,236 alleles (0.000062%); highest among the groups gnomAD compares: Non-Finnish European, 0.000085%; no homozygotes.

Submission:

Labcorp Genetics (formerly Invitae), Labcorp
Classification: Uncertain significance for Hypertrophic cardiomyopathy. Last evaluated: 2021-12-02. Review status: criteria provided, single submitter. Criteria: Invitae Variant Classification Sherloc (09022015). Collection method: clinical testing. Allele origin: germline.
Comment: This sequence change replaces lysine, which is basic and polar, with asparagine, which is neutral and polar, at codon 876 of the MYH7 protein (p.Lys876Asn). This variant is not present in population databases (gnomAD no frequency). This variant has not been reported in the literature in individuals affected with MYH7-related conditions. Algorithms developed to predict the effect of missense changes on protein structure and function (SIFT, PolyPhen-2, Align-GVGD) all suggest that this variant is likely to be disruptive. This variant is found within a region of MYH7 between codons 181 and 937 that contains the majority of the myosin head domain. Missense variants in this region have been shown to be significantly overrepresented in individuals with hypertrophic cardiomyopathy (PMID: 27532257). In summary, the available evidence is currently insufficient to determine the role of this variant in disease. Therefore, it has been classified as a Variant of Uncertain Significance.

Literature cited by the submitters: PubMed 27532257.